The following is an entry in ClinVar:

ClinVar aggregate classification (germline): Conflicting classifications of pathogenicity. Review status: criteria provided, conflicting classifications (1 of 4 stars). 3 submissions from 3 submitters: Likely pathogenic (1); Uncertain significance (2). Last evaluated 2026-01-15.

Conditions:
X-linked DMD-related disorders.
Duchenne muscular dystrophy (DMD). Also called: Duchenne Muscular Dystrophy (DMD); MUSCULAR DYSTROPHY, PSEUDOHYPERTROPHIC PROGRESSIVE, DUCHENNE TYPE. Identifiers: Orphanet 98896, MedGen C0013264, MONDO:0010679, OMIM 310200.

Submissions (3):

Variantyx, Inc.
Classification: Likely pathogenic for X-linked DMD-related disorders. Last evaluated: 2026-01-15. Review status: criteria provided, single submitter. Criteria: Variantyx Assertion Criteria 2022. Collection method: clinical testing. Allele origin: maternal. Inheritance: X-linked recessive inheritance. Affected: yes.
Comment: This is a nonsynonymous variant in the DMD gene (OMIM: 300377). Pathogenic variants in this gene have been associated with X-linked DMD-related disorders. This variant has been reported in at least 3 unrelated affected individuals (PMID: 19367636, 38850354, 31069529) (PS4_Moderate). This variant lies within a known hotspot for pathogenic variants or a well-established critical functional domain of the DMD protein (PMID: 24302611, 19367636) (PM1). Multiple computational algorithms predict a deleterious effect for this variant (REVEL score: 0.839) (PP3). This variant is absent from control populations (PM2). Based on the current evidence, this variant is classified as likely pathogenic for X-linked DMD-related disorders.

Labcorp Genetics (formerly Invitae), Labcorp
Classification: Uncertain significance for Duchenne muscular dystrophy. Last evaluated: 2025-07-02. Review status: criteria provided, single submitter. Criteria: Invitae Variant Classification Sherloc (09022015). Collection method: clinical testing. Allele origin: germline.
Comment: This sequence change replaces cysteine, which is neutral and slightly polar, with arginine, which is basic and polar, at codon 3319 of the DMD protein (p.Cys3319Arg). This variant is not present in population databases (gnomAD no frequency). This missense change has been observed in individual(s) with Becker muscular dystrophy and/or DMD-related conditions (PMID: 19367636, 31069529, 31443951, 36178741). ClinVar contains an entry for this variant (Variation ID: 289588). Invitae Evidence Modeling of protein sequence and biophysical properties (such as structural, functional, and spatial information, amino acid conservation, physicochemical variation, residue mobility, and thermodynamic stability) indicates that this missense variant is not expected to disrupt DMD protein function with a negative predictive value of 95%. In summary, the available evidence is currently insufficient to determine the role of this variant in disease. Therefore, it has been classified as a Variant of Uncertain Significance.

Eurofins Ntd Llc (ga)
Classification: Uncertain significance. Last evaluated: 2016-07-18. Review status: criteria provided, single submitter. Criteria: EGL Classification Definitions 2015. Collection method: clinical testing. Allele origin: germline. Observed: 1 variant allele, 1 hemizygote.

Literature cited by the submitters: PubMed 19367636 (cited by Variantyx, Inc. and Labcorp Genetics (formerly Invitae), Labcorp); PubMed 38850354 (cited by Variantyx, Inc.); PubMed 31069529 (cited by Variantyx, Inc. and Labcorp Genetics (formerly Invitae), Labcorp); PubMed 24302611 (cited by Variantyx, Inc.); PubMed 31443951 (cited by Labcorp Genetics (formerly Invitae), Labcorp); PubMed 36178741 (cited by Labcorp Genetics (formerly Invitae), Labcorp).

NM_004006.3(DMD):c.9955T>C (p.Cys3319Arg)

Gene: DMD (dystrophin; minus strand). Cytogenetic location: Xp21.2.
Variant type: single nucleotide variant.
Coding change: c.9955T>C on transcript NM_004006.3 (MANE Select); coding-DNA position 9955, T replaced by C.
Protein change: p.Cys3319Arg; replaces cysteine 3319 with arginine.
Molecular consequence: missense variant.
Genome position (GRCh38, 1-based): chrX:31,182,757, A>G on the plus strand (T>C on the coding strand, the complement: DMD is on the minus strand). VCF-style: chrX-31182757-A-G. GRCh37 (hg19) VCF-style: chrX-31200874-A-G.
Other names: c.9931T>C, p.Cys3311Arg (NM_000109.4); c.9943T>C, p.Cys3315Arg (NM_004009.3); c.9586T>C, p.Cys3196Arg (NM_004010.3); c.5932T>C, p.Cys1978Arg (NM_004011.4); c.5923T>C, p.Cys1975Arg (NM_004012.4); c.2575T>C, p.Cys859Arg (NM_004013.3, NM_004020.4, NM_004021.3 and 2 more transcripts); c.1768T>C, p.Cys590Arg (NM_004014.3); c.751T>C, p.Cys251Arg (NM_004015.3, NM_004016.3, NM_004017.3 and 2 more transcripts); short protein forms C3319R, C3311R, C3315R, C3196R, C590R, C859R, C1975R, C1978R.
Identifiers: ClinVar variation 289588 (VCV000289588.13), dbSNP rs886044217, ClinGen allele CA10606491.